The following is an entry in ClinVar:

ClinVar aggregate classification (germline): Likely benign. Review status: reviewed by expert panel (3 of 4 stars). 7 submissions from 7 submitters: Likely benign (1). 6 of the submissions do not count toward it. Last evaluated 2025-10-28.

Conditions:
Retinal dystrophy. Also called: Inherited retinal dystrophy. Identifiers: Orphanet 71862, MedGen C0854723, MeSH D058499, MONDO:0019118, HP:0000556.
ABCA4-related retinopathy. Also called: ABCA4 retinoapthy; ABCA4-related retinoapthy. Identifiers: MedGen CN322612, MONDO:0800406.
ABCA4-related disorder. Also called: ABCA4-related disorders; ABCA4-related condition. Identifiers: MedGen CN239167.

Allele frequency attached by ClinVar (database versions not stated): gnomAD 0.00004 and 0.00005; TOPMed 0.00006; ExAC 0.00009; gnomAD exomes 0.00009; 1000 Genomes Project 30x 0.00016; 1000 Genomes Project 0.00020.
gnomAD v4.1: 109 of 1,614,110 alleles (0.0068%); highest among the groups gnomAD compares: East Asian, 0.16%; 1 homozygote.

Submissions (8):

ClinGen ABCA4 Variant Curation Expert Panel, Clingen
Classification: Likely benign for ABCA4-related retinopathy. Last evaluated: 2025-10-28. Review status: reviewed by expert panel. Criteria: ClinGen ABCA4 ACMG Specifications V1.0.0. Collection method: curation. Allele origin: germline. Inheritance: Autosomal recessive inheritance.
Comment: The NM_000350.3:c.5712A>G variant is a synonymous variant (p.Gln1904=). The total minor allele frequency in gnomAD v4.1.0 is 0.00006753 (109/1614110 alleles), which is lower than the ClinGen ABCA4 VCEP’s threshold for PM2_Supporting (<0.0001), meeting this criterion (PM2_Supporting). SpliceAI gives this synonymous variant a delta score of 0.05 for donor gain, which is below the ClinGen ABCA4 VCEP threshold of <0.1 and does not strongly predict a splicing defect. To our knowledge, there is no known conflicting minigene or other functional data available (BP7_Moderate). In summary, this variant meets the criteria to be classified as likely benign for ABCA4-related retinopathy based on the ACMG/AMP criteria applied, as specified by the ClinGen ABCA4 VCEP (Specification Version 1.0.0): BP7_Moderate, PM2_Supporting.

Labcorp Genetics (formerly Invitae), Labcorp
Classification: Likely benign. Last evaluated: 2025-08-10. Review status: criteria provided, single submitter. Criteria: Invitae Variant Classification Sherloc (09022015). Collection method: clinical testing. Allele origin: germline. Not counted in ClinVar's aggregate classification.

Dept Of Ophthalmology, Nagoya University
Classification: Likely benign for Retinal dystrophy. Last evaluated: 2023-10-01. Review status: criteria provided, single submitter. Criteria: Submitter's publication. Collection method: research. Allele origin: germline. Affected: yes. Not counted in ClinVar's aggregate classification.

Blueprint Genetics
Classification: Uncertain significance. Last evaluated: 2022-05-11. Review status: criteria provided, single submitter. Criteria: ACMG Guidelines, 2015. Collection method: clinical testing. Allele origin: germline. Not counted in ClinVar's aggregate classification.

Illumina Laboratory Services, Illumina
Classification: Uncertain significance for ABCA4-Related Disorders. Last evaluated: 2018-01-13. Review status: criteria provided, single submitter. Criteria: ICSL Variant Classification Criteria 13 December 2019. Collection method: clinical testing. Allele origin: germline. Not counted in ClinVar's aggregate classification.

PreventionGenetics, part of Exact Sciences
Classification: Likely benign for ABCA4-related condition. Last evaluated: 2019-04-01. Review status: no assertion criteria provided. Collection method: clinical testing. Allele origin: germline. Not counted in ClinVar's aggregate classification.
Comment: This variant is classified as likely benign based on ACMG/AMP sequence variant interpretation guidelines (Richards et al. 2015 PMID: 25741868, with internal and published modifications).

Institute of Human Genetics, Univ. Regensburg, Univ. Regensburg
Classification: Uncertain significance for Retinal dystrophy. Last evaluated: 2016-01-01. Review status: no assertion criteria provided. Criteria: ACMG Guidelines, 2015. Collection method: clinical testing. Allele origin: germline. Affected: yes. Not counted in ClinVar's aggregate classification.

Dr. Peter K. Rogan Lab, Western University
No classification provided (evidence only). Condition: Gastric cancer. Review status: no classification provided. Collection method: in vitro. Allele origin: not applicable. Functional consequence: retained intron. Not counted in ClinVar's aggregate classification.

NM_000350.3(ABCA4):c.5712A>G (p.Gln1904=)

Gene: ABCA4 (ATP binding cassette subfamily A member 4; minus strand). Cytogenetic location: 1p22.1.
Variant type: single nucleotide variant.
Coding change: c.5712A>G on transcript NM_000350.3 (MANE Select); coding-DNA position 5712, A replaced by G.
Protein change: p.Gln1904=; no amino-acid change (glutamine 1904 retained).
Molecular consequence: synonymous variant.
Genome position (GRCh38, 1-based): chr1:94,010,802, T>C on the plus strand (A>G on the coding strand, the complement: ABCA4 is on the minus strand). VCF-style: chr1-94010802-T-C. GRCh37 (hg19) VCF-style: chr1-94476358-T-C.
Other names: NM_000350.3(ABCA4):c.5712A>G; p.Gln1904=; c.5490A>G, p.Gln1830= (NM_001425324.1).
Identifiers: ClinVar variation 298225 (VCV000298225.21), dbSNP rs191506332, ClinGen allele CA957176.